The following is an entry in ClinVar:

NM_015164.4(PLEKHM2):c.2102C>T (p.Ala701Val)

Gene: PLEKHM2 (pleckstrin homology and RUN domain containing M2; plus strand). Cytogenetic location: 1p36.21.
Variant type: single nucleotide variant.
Coding change: c.2102C>T on transcript NM_015164.4 (MANE Select); coding-DNA position 2102, C replaced by T.
Protein change: p.Ala701Val; replaces alanine 701 with valine.
Molecular consequence: missense variant.
Genome position (GRCh38, 1-based): chr1:15,729,823, C>T. VCF-style: chr1-15729823-C-T. GRCh37 (hg19) VCF-style: chr1-16056318-C-T.
Other names: short protein forms A701V.
Identifiers: ClinVar variation 1003609 (VCV001003609.8), dbSNP rs2068114434, ClinGen allele CA338569912.

ClinVar aggregate classification (germline): Uncertain significance (1 of 4 stars; one submission).

Submission:

Labcorp Genetics (formerly Invitae), Labcorp
Classification: Uncertain significance. Last evaluated: 2020-03-20. Review status: criteria provided, single submitter. Criteria: Invitae Variant Classification Sherloc (09022015). Collection method: clinical testing. Allele origin: germline.
Comment: In summary, the available evidence is currently insufficient to determine the role of this variant in disease. Therefore, it has been classified as a Variant of Uncertain Significance. Algorithms developed to predict the effect of missense changes on protein structure and function are either unavailable or do not agree on the potential impact of this missense change (SIFT: "Tolerated"; PolyPhen-2: "Possibly Damaging"; Align-GVGD: "Class C0"). This variant has not been reported in the literature in individuals with PLEKHM2-related conditions. This variant is not present in population databases (ExAC no frequency). This sequence change replaces alanine with valine at codon 701 of the PLEKHM2 protein (p.Ala701Val). The alanine residue is highly conserved and there is a small physicochemical difference between alanine and valine.